The following is an entry in ClinVar:

NM_014714.4(IFT140):c.2008C>T (p.Pro670Ser)

Gene: IFT140 (intraflagellar transport 140; minus strand). Cytogenetic location: 16p13.3.
Variant type: single nucleotide variant.
Coding change: c.2008C>T on transcript NM_014714.4 (MANE Select); coding-DNA position 2008, C replaced by T.
Protein change: p.Pro670Ser; replaces proline 670 with serine.
Molecular consequence: missense variant.
Genome position (GRCh38, 1-based): chr16:1,564,056, G>A on the plus strand (C>T on the coding strand, the complement: IFT140 is on the minus strand). VCF-style: chr16-1564056-G-A. GRCh37 (hg19) VCF-style: chr16-1614057-G-A.
Other names: short protein forms P670S.
Identifiers: ClinVar variation 318182 (VCV000318182.18), dbSNP rs34900355, ClinGen allele CA7814050.

ClinVar aggregate classification (germline): Benign. Review status: criteria provided, multiple submitters, no conflicts (2 of 4 stars). 4 submissions from 4 submitters: Benign (4). Last evaluated 2026-02-02.

Conditions:
Saldino-Mainzer syndrome (SRTD9). Also called: Renal dysplasia, retinal pigmentary dystrophy, cerebellar ataxia and skeletal dysplasia; SHORT-RIB THORACIC DYSPLASIA 9 WITHOUT POLYDACTYLY; CONORENAL SYNDROME; short-rib thoracic dysplasia 9 with or without polydactyly. Identifiers: Orphanet 140969, MedGen C1849437, MONDO:0009964, OMIM 266920.

Allele frequency attached by ClinVar (database versions not stated): gnomAD exomes 0.00543; ExAC 0.00652; gnomAD 0.02045 and 0.02198; ESP Exome Variant Server 0.02316; TOPMed 0.02370; 1000 Genomes Project 0.02516; 1000 Genomes Project 30x 0.02701.
gnomAD v4.1: 6,346 of 1,602,258 alleles (0.4%); highest among the groups gnomAD compares: African/African-American, 7.1%; 217 homozygotes.

Submissions (4):

Labcorp Genetics (formerly Invitae), Labcorp
Classification: Benign for Saldino-Mainzer syndrome. Last evaluated: 2026-02-02. Review status: criteria provided, single submitter. Criteria: Invitae Variant Classification Sherloc (09022015). Collection method: clinical testing. Allele origin: germline.

GeneDx
Classification: Benign. Last evaluated: 2021-05-04. Review status: criteria provided, single submitter. Criteria: GeneDx Variant Classification Process June 2021. Collection method: clinical testing. Allele origin: germline. Affected: yes.

Illumina Laboratory Services, Illumina
Classification: Benign for Saldino-Mainzer syndrome. Last evaluated: 2018-01-13. Review status: criteria provided, single submitter. Criteria: ICSL Variant Classification Criteria 13 December 2019. Collection method: clinical testing. Allele origin: germline.
Comment: This variant was observed in the ICSL laboratory as part of a predisposition screen in an ostensibly healthy population. It had not been previously curated by ICSL or reported in the Human Gene Mutation Database (HGMD: prior to June 1st, 2018), and was therefore a candidate for classification through an automated scoring system. Utilizing variant allele frequency, disease prevalence and penetrance estimates, and inheritance mode, an automated score was calculated to assess if this variant is too frequent to cause the disease. Based on the score and internal cut-off values, a variant classified as benign is not then subjected to further curation. The score for this variant resulted in a classification of benign for this disease.

Breakthrough Genomics
Classification: Benign. Review status: criteria provided, single submitter. Criteria: ACMG Guidelines, 2015. Collection method: not provided. Allele origin: germline. Inheritance: Autosomal recessive inheritance. Affected: yes.